The following is an entry in ClinVar:

NM_178012.5(TUBB2B):c.830G>A (p.Gly277Asp)

Gene: TUBB2B (tubulin beta 2B class IIb; minus strand). Cytogenetic location: 6p25.2.
Variant type: single nucleotide variant.
Coding change: c.830G>A on transcript NM_178012.5 (MANE Select); coding-DNA position 830, G replaced by A.
Protein change: p.Gly277Asp; replaces glycine 277 with aspartic acid.
Molecular consequence: missense variant.
Genome position (GRCh38, 1-based): chr6:3,225,259, C>T on the plus strand (G>A on the coding strand, the complement: TUBB2B is on the minus strand). VCF-style: chr6-3225259-C-T. GRCh37 (hg19) VCF-style: chr6-3225493-C-T.
Other names: short protein forms G277D.
Identifiers: ClinVar variation 3343143 (VCV003343143.2).

ClinVar aggregate classification (germline): Conflicting classifications of pathogenicity. Review status: criteria provided, conflicting classifications (1 of 4 stars). 2 submissions from 2 submitters: Likely pathogenic (1); Uncertain significance (1). Last evaluated 2025-09-08.

Conditions:
Complex cortical dysplasia with other brain malformations 7. Identifiers: Orphanet 300573, MedGen C3552236, MONDO:0012399, OMIM 610031.

Submissions (2):

The Genetics Institute, Rambam Health Care Campus
Classification: Likely pathogenic for Complex cortical dysplasia with other brain malformations 7. Last evaluated: 2025-09-08. Review status: criteria provided, single submitter. Criteria: ACMG Guidelines, 2015. Collection method: clinical testing. Allele origin: unknown. Affected: yes.
Comment: [PM2_s, PP3_mod, PM1,PS4_m, PP4, PP1] The NM_178012.5:c.830G>A;p.(Gly277Asp) variant results in a missense substitution in a highly conserved region. Missense variants have been reported as disease causing in Cortical dysplasia, complex, with other brain malformations 7 (OMIM*61285). There are missense variants reported as pathogenic in proximity to this variant in Clinvar. This variant has not been reported in the literature in affected individuals . The c.830G>A variant is absent from the Genome Aggregation Database (v.4.1), indicating it is not a common polymorphism. Computational analyses predict that this variant is deleterious (REVEL 0.91). Based on the above information, the c.830G>A variant is classified likely pathogenic.

GeneDx
Classification: Uncertain significance. Last evaluated: 2023-04-27. Review status: criteria provided, single submitter. Criteria: GeneDx Variant Classification Process June 2021. Collection method: clinical testing. Allele origin: germline. Affected: yes.
Comment: Not observed at significant frequency in large population cohorts (gnomAD); In silico analysis supports that this missense variant has a deleterious effect on protein structure/function; Missense variants in this gene are often considered pathogenic (HGMD); Has not been previously published as pathogenic or benign to our knowledge; This variant is associated with the following publications: (PMID: 27010057)